The following is an entry in ClinVar:

NM_020859.4(SHROOM3):c.3869C>T (p.Pro1290Leu)

Genes: SHROOM3 (shroom family member 3; plus strand), SHROOM3-AS1 (SHROOM3 antisense RNA 1; minus strand). Cytogenetic location: 4q21.1.
Variant type: single nucleotide variant.
Coding change: c.3869C>T on transcript NM_020859.4 (MANE Select); coding-DNA position 3869, C replaced by T.
Protein change: p.Pro1290Leu; replaces proline 1290 with leucine.
Molecular consequence: missense variant.
Genome position (GRCh38, 1-based): chr4:76,754,352, C>T. VCF-style: chr4-76754352-C-T. GRCh37 (hg19) VCF-style: chr4-77675505-C-T.
Other names: short protein forms P1290L.
Identifiers: ClinVar variation 1280044 (VCV001280044.4), dbSNP rs3733242, ClinGen allele CA2972910.

ClinVar aggregate classification (germline): Benign. Review status: criteria provided, multiple submitters, no conflicts (2 of 4 stars). 3 submissions from 3 submitters: Benign (2). 1 of the submissions does not count toward it. Last evaluated 2018-11-12.

Conditions:
SHROOM3-related disorder. Also called: SHROOM3-related condition.

Allele frequency attached by ClinVar (database versions not stated): ESP Exome Variant Server 0.47878; TOPMed 0.48723; 1000 Genomes Project 30x 0.52920; 1000 Genomes Project 0.52935.
gnomAD v4.1: 710,042 of 1,613,826 alleles (44%); highest among the groups gnomAD compares: African/African-American, 63%; 159,800 homozygotes.

Submissions (3):

GeneDx
Classification: Benign. Last evaluated: 2018-11-12. Review status: criteria provided, single submitter. Criteria: GeneDx Variant Classification Process June 2021. Collection method: clinical testing. Allele origin: germline. Affected: yes.

Breakthrough Genomics
Classification: Benign. Review status: criteria provided, single submitter. Criteria: ACMG Guidelines, 2015. Collection method: not provided. Allele origin: germline. Inheritance: Unknown mechanism. Affected: yes.

PreventionGenetics, part of Exact Sciences
Classification: Benign for SHROOM3-related condition. Last evaluated: 2019-03-18. Review status: no assertion criteria provided. Collection method: clinical testing. Allele origin: germline. Not counted in ClinVar's aggregate classification.
Comment: This variant is classified as benign based on ACMG/AMP sequence variant interpretation guidelines (Richards et al. 2015 PMID: 25741868, with internal and published modifications).